The following is an entry in ClinVar:

ClinVar aggregate classification (germline): Uncertain significance (1 of 4 stars; one submission).

gnomAD v4.1: 3 of 1,614,210 alleles (0.00019%); highest among the groups gnomAD compares: Admixed American, 0.0033%; no homozygotes.

Submission:

GeneDx
Classification: Uncertain significance. Last evaluated: 2024-03-05. Review status: criteria provided, single submitter. Criteria: GeneDx Variant Classification Process June 2021. Collection method: clinical testing. Allele origin: germline. Affected: yes.
Comment: Not observed at significant frequency in large population cohorts (gnomAD); In silico analysis supports that this missense variant has a deleterious effect on protein structure/function; Has not been previously published as pathogenic or benign to our knowledge

NM_001077365.2(POMT1):c.1202C>G (p.Pro401Arg)

Gene: POMT1 (protein O-mannosyltransferase 1; plus strand). Cytogenetic location: 9q34.13.
Variant type: single nucleotide variant.
Coding change: c.1202C>G on transcript NM_001077365.2 (MANE Select); coding-DNA position 1202, C replaced by G.
Protein change: p.Pro401Arg; replaces proline 401 with arginine.
Molecular consequence: missense variant. On other transcripts: non-coding transcript variant (10).
Genome position (GRCh38, 1-based): chr9:131,515,452, C>G. VCF-style: chr9-131515452-C-G. GRCh37 (hg19) VCF-style: chr9-134390839-C-G.
Other names: c.1040C>G, p.Pro347Arg (NM_001077366.2, NM_001353194.2); c.1202C>G, p.Pro401Arg (NM_001136113.2, NM_001374690.1); c.851C>G, p.Pro284Arg (NM_001136114.2, NM_001353195.2, NM_001374691.1 and 2 more transcripts); c.1268C>G, p.Pro423Arg (NM_001353193.2, NM_007171.4); c.1112C>G, p.Pro371Arg (NM_001353196.2); c.1106C>G, p.Pro369Arg (NM_001353197.2, NM_001353198.2); c.917C>G, p.Pro306Arg (NM_001353199.2); c.746C>G, p.Pro249Arg (NM_001353200.2); and 3 more; short protein forms P249R, P24R, P271R, P284R, P306R, P347R, P369R, P371R.
Identifiers: ClinVar variation 3373482 (VCV003373482.1).